The following is an entry in ClinVar:

NM_003737.4(DCHS1):c.3034_3035delinsTT (p.Gly1012Phe)

Gene: DCHS1 (dachsous cadherin-related 1; minus strand). Cytogenetic location: 11p15.4.
Variant type: Indel.
Coding change: c.3034_3035delinsTT on transcript NM_003737.4 (MANE Select); coding-DNA positions 3034 to 3035, GG replaced by TT.
Protein change: p.Gly1012Phe; replaces glycine 1012 with phenylalanine.
Molecular consequence: missense variant.
Genome position (GRCh38, 1-based): chr11:6,632,477-6,632,478, CC replaced by AA on the plus strand (GG replaced by TT on the coding strand, the reverse complement: DCHS1 is on the minus strand). VCF-style: chr11-6632477-CC-AA. GRCh37 (hg19) VCF-style: chr11-6653708-CC-AA.
Other names: short protein forms G1012F.
Identifiers: ClinVar variation 2955280 (VCV002955280.3), dbSNP rs2493829236, ClinGen allele CA2740093627.
Genomic context (GRCh38, chr11:6,632,477, plus strand): 5'-ATAGGGCCCCCATCTGGTGCTTGGGCCTGCACTTGCAGGACCTGAGTTCCAGCAGTGGTG[CC>AA]TGAGGGCAGGTCCACACGGTAGGTAGGGCTGTTGAATCGGGGAGCCAGCCCACGGGTTCC-3'
Protein context (NP_003728.1, residues 1002-1022): SPTYRVDLPS[Gly1012Phe]TTAGTQVLQV

ClinVar aggregate classification (germline): Uncertain significance (1 of 4 stars; one submission).

Submission:

Labcorp Genetics (formerly Invitae), Labcorp
Classification: Uncertain significance. Last evaluated: 2023-09-23. Review status: criteria provided, single submitter. Criteria: Invitae Variant Classification Sherloc (09022015). Collection method: clinical testing. Allele origin: germline.
Comment: This sequence change replaces glycine, which is neutral and non-polar, with phenylalanine, which is neutral and non-polar, at codon 1012 of the DCHS1 protein (p.Gly1012Phe). This variant is present in population databases (no rsID available, gnomAD 0.0008%). This variant has not been reported in the literature in individuals affected with DCHS1-related conditions. An algorithm developed to predict the effect of missense changes on protein structure and function (PolyPhen-2) suggests that this variant is likely to be disruptive. In summary, the available evidence is currently insufficient to determine the role of this variant in disease. Therefore, it has been classified as a Variant of Uncertain Significance.